The following is an entry in ClinVar:

NM_003907.3(EIF2B5):c.1375G>A (p.Asp459Asn)

Gene: EIF2B5 (eukaryotic translation initiation factor 2B subunit epsilon; plus strand). Cytogenetic location: 3q27.1.
Variant type: single nucleotide variant.
Coding change: c.1375G>A on transcript NM_003907.3 (MANE Select); coding-DNA position 1375, G replaced by A.
Protein change: p.Asp459Asn; replaces aspartic acid 459 with asparagine.
Molecular consequence: missense variant.
Genome position (GRCh38, 1-based): chr3:184,142,309, G>A. VCF-style: chr3-184142309-G-A. GRCh37 (hg19) VCF-style: chr3-183860097-G-A.
Other names: c.1375G>A (NM_003907.2); short protein forms D459N.
Identifiers: ClinVar variation 2162669 (VCV002162669.4), dbSNP rs377488530, ClinGen allele CA2726674.

ClinVar aggregate classification (germline): Uncertain significance. Review status: criteria provided, multiple submitters, no conflicts (2 of 4 stars). 2 submissions from 2 submitters: Uncertain significance (2). Last evaluated 2025-12-11.

Conditions:
Inborn genetic diseases. Identifiers: MedGen C0950123, MeSH D030342.

Allele frequency attached by ClinVar (database versions not stated): ExAC 0.00002; gnomAD 0.00003; TOPMed 0.00004; ESP Exome Variant Server 0.00008.

Submissions (2):

Ambry Genetics
Classification: Uncertain significance for Inborn genetic diseases. Last evaluated: 2025-12-11. Review status: criteria provided, single submitter. Criteria: Ambry Variant Classification Scheme 2023. Collection method: clinical testing. Allele origin: germline.

Labcorp Genetics (formerly Invitae), Labcorp
Classification: Uncertain significance. Last evaluated: 2024-10-22. Review status: criteria provided, single submitter. Criteria: Invitae Variant Classification Sherloc (09022015). Collection method: clinical testing. Allele origin: germline.
Comment: This sequence change replaces aspartic acid, which is acidic and polar, with asparagine, which is neutral and polar, at codon 459 of the EIF2B5 protein (p.Asp459Asn). This variant is present in population databases (rs377488530, gnomAD 0.004%). This variant has not been reported in the literature in individuals affected with EIF2B5-related conditions. ClinVar contains an entry for this variant (Variation ID: 2162669). Invitae Evidence Modeling of protein sequence and biophysical properties (such as structural, functional, and spatial information, amino acid conservation, physicochemical variation, residue mobility, and thermodynamic stability) indicates that this missense variant is not expected to disrupt EIF2B5 protein function with a negative predictive value of 80%. In summary, the available evidence is currently insufficient to determine the role of this variant in disease. Therefore, it has been classified as a Variant of Uncertain Significance.